The following is an entry in ClinVar:

NM_005908.4(MANBA):c.1434del (p.Lys479fs)

Gene: MANBA (mannosidase beta; minus strand). Cytogenetic location: 4q24.
Variant type: Deletion.
Coding change: c.1434del on transcript NM_005908.4 (MANE Select); coding-DNA position 1434, one base deleted (C; older notation c.1434delC).
Protein change: p.Lys479fs; shifts the reading frame from lysine 479.
Molecular consequence: frameshift variant.
Genome position (GRCh38, 1-based): chr4:102,664,736, G deleted on the plus strand (C on the coding strand, the reverse complement: MANBA is on the minus strand). VCF-style (leftmost placement, unchanged base first): chr4-102664735-TG-T. GRCh37 (hg19) VCF-style: chr4-103585892-TG-T.
Other names: short protein forms K479fs.
Identifiers: ClinVar variation 1384377 (VCV001384377.10), dbSNP rs776601022, ClinGen allele CA3026908.
Genomic context (GRCh38, chr4:102,664,735, plus strand): 5'-CATTACTTACTGCCAGTACGAGCTCTCTGATGTTTTTCACATAGAGTGTCACATAGTCCT[TG>T]ATGTAGATTGGCCGGTCAGTGAAACTGATATGATACCAATTCATCATCAGCGCCTCCTCA-3'

ClinVar aggregate classification (germline): Pathogenic/Likely pathogenic. Review status: criteria provided, multiple submitters, no conflicts (2 of 4 stars). 4 submissions from 4 submitters: Pathogenic (1); Likely pathogenic (3). Last evaluated 2026-08-06.

Conditions:
Beta-D-mannosidosis (MANSB). Also called: Beta-Mannosidosis; MANNOSIDOSIS, BETA A, LYSOSOMAL; BETA-MANNOSIDASE DEFICIENCY; LYSOSOMAL BETA-MANNOSIDASE DEFICIENCY. Identifiers: Orphanet 118, MedGen C4048196, MONDO:0009562, OMIM 248510.

Allele frequency attached by ClinVar (database versions not stated): gnomAD exomes below 0.00001 and 0.00001; gnomAD 0.00001; TOPMed 0.00002; ExAC 0.00001.

Submissions (4):

OLLIN Analises Genomicas, OLLIN
Classification: Likely pathogenic for Beta-D-mannosidosis. Last evaluated: 2026-08-06. Review status: criteria provided, single submitter. Criteria: ACMG Guidelines 2015 PMID 25741868. Collection method: clinical testing. Allele origin: germline. Inheritance: Autosomal recessive inheritance.
Comment: This frameshift variant, located in exon 11 (of 17), has been reported in ClinVar (accession VCV001384377.8) and in gnomAD with an allele frequency of 0.00043%. However, to our knowledge, it has not been reported in the scientific literature. This variant causes a frameshift and introduces a premature stop codon, which is predicted to result in either a truncated protein or degradation of the mRNA via nonsense-mediated decay (NMD). According to the currently available evidence, this variant has been classified as likely pathogenic (PVS1, PM2_P).

Dasa
Classification: Likely pathogenic. Last evaluated: 2025-11-09. Review status: criteria provided, single submitter. Criteria: DASA Assertion Criteria. Collection method: clinical testing. Allele origin: germline.
Comment: NM_005908.4(MANBA):c.1434del (p.Lys479Argfs*4) is a frameshift variant in MANBA predicted to alter the reading frame and introduce a premature termination codon and is predicted to result in an absent or altered protein product. Loss of function is an established disease mechanism for MANBA-associated disorders. Also, this variant is rare in population databases. Based on the currently available evidence, this variant is classified as likely pathogenic.

Labcorp Genetics (formerly Invitae), Labcorp
Classification: Pathogenic for Beta-D-mannosidosis. Last evaluated: 2024-04-03. Review status: criteria provided, single submitter. Criteria: Invitae Variant Classification Sherloc (09022015). Collection method: clinical testing. Allele origin: germline.
Comment: This sequence change creates a premature translational stop signal (p.Lys479Argfs*4) in the MANBA gene. It is expected to result in an absent or disrupted protein product. Loss-of-function variants in MANBA are known to be pathogenic (PMID: 9384606, 12468273). This variant is present in population databases (rs776601022, gnomAD no frequency). This variant has not been reported in the literature in individuals affected with MANBA-related conditions. ClinVar contains an entry for this variant (Variation ID: 1384377). For these reasons, this variant has been classified as Pathogenic.

Department of Pathology and Laboratory Medicine, Sinai Health System
Classification: Likely pathogenic for beta-mannosidosis. Last evaluated: 2023-04-12. Review status: criteria provided, single submitter. Criteria: ACMG Guidelines, 2015. Collection method: research. Allele origin: germline.

Literature cited by the submitters: PubMed 9384606 (cited by Labcorp Genetics (formerly Invitae), Labcorp); PubMed 12468273 (cited by Labcorp Genetics (formerly Invitae), Labcorp).